The following is an entry in ClinVar:

NM_020911.2(PLXNA4):c.1871T>A (p.Ile624Asn)

Gene: PLXNA4 (plexin A4; minus strand). Cytogenetic location: 7q32.3.
Variant type: single nucleotide variant.
Coding change: c.1871T>A on transcript NM_020911.2 (MANE Select); coding-DNA position 1871, T replaced by A.
Protein change: p.Ile624Asn; replaces isoleucine 624 with asparagine.
Molecular consequence: missense variant.
Genome position (GRCh38, 1-based): chr7:132,227,462, A>T on the plus strand (T>A on the coding strand, the complement: PLXNA4 is on the minus strand). VCF-style: chr7-132227462-A-T. GRCh37 (hg19) VCF-style: chr7-131912221-A-T.
Other names: c.1871T>A, p.Ile624Asn (NM_001393897.1); short protein forms I624N.
Identifiers: ClinVar variation 3352119 (VCV003352119.1).

ClinVar aggregate classification (germline): Uncertain significance (0 of 4 stars; one submission).

Conditions:
PLXNA4-related disorder. Also called: PLXNA4-related condition.

gnomAD v4.1: 54 of 1,614,038 alleles (0.0033%); highest among the groups gnomAD compares: Non-Finnish European, 0.0046%; no homozygotes.

Submission:

PreventionGenetics, part of Exact Sciences
Classification: Uncertain significance for PLXNA4-related condition. Last evaluated: 2024-06-18. Review status: no assertion criteria provided. Collection method: clinical testing. Allele origin: germline.
Comment: The PLXNA4 c.1871T>A variant is predicted to result in the amino acid substitution p.Ile624Asn. To our knowledge, this variant has not been reported in the literature. This variant is reported in 0.0054% of alleles in individuals of European (Non-Finnish) descent in gnomAD. At this time, the clinical significance of this variant is uncertain due to the absence of conclusive functional and genetic evidence.